The following is an entry in ClinVar:

NM_000488.4(SERPINC1):c.536T>G (p.Phe179Cys)

Gene: SERPINC1 (serpin family C member 1; minus strand). Cytogenetic location: 1q25.1.
Variant type: single nucleotide variant.
Coding change: c.536T>G on transcript NM_000488.4 (MANE Select); coding-DNA position 536, T replaced by G.
Protein change: p.Phe179Cys; replaces phenylalanine 179 with cysteine.
Molecular consequence: missense variant. On other transcripts: intron variant (1).
Genome position (GRCh38, 1-based): chr1:173,911,887, A>C on the plus strand (T>G on the coding strand, the complement: SERPINC1 is on the minus strand). VCF-style: chr1-173911887-A-C. GRCh37 (hg19) VCF-style: chr1-173881025-A-C.
Other names: c.392T>G, p.Phe131Cys (NM_001365052.2); c.536T>G, p.Phe179Cys (NM_001386302.1, NM_001386304.1, NM_001386305.1); c.617T>G, p.Phe206Cys (NM_001386303.1); c.409-996T>G (NM_001386306.1); short protein forms F206C, F131C, F179C.
Identifiers: ClinVar variation 3720261 (VCV003720261.2).
Genomic context (GRCh38, chr1:173,911,887, plus strand): 5'-CCATATACCAACTCACTGATGTCCTGGTAGGTCTCATTGAAGGTAAGGGATTTGTCTCCA[A>C]AAAGGCGATTGGCTGATACTAACTTGGAGGATTTGTTGGCTTTTCGATAGAGTCGGCAGT-3'
Protein context (NP_000479.1, residues 169-189): SSKLVSANRL[Phe179Cys]GDKSLTFNET

ClinVar aggregate classification (germline): Likely pathogenic (1 of 4 stars; one submission).

Conditions:
Hereditary antithrombin deficiency (AT3D). Also called: Thrombophilia due to antithrombin III deficiency; Reduced antithrombin III activity; Antithrombin III deficiency; Antithrombin deficiency. Identifiers: Orphanet 82, MedGen C0272375, MONDO:0013144, OMIM 613118, HP:0001976.

Submission:

Labcorp Genetics (formerly Invitae), Labcorp
Classification: Likely pathogenic for Hereditary antithrombin deficiency. Last evaluated: 2025-01-23. Review status: criteria provided, single submitter. Criteria: Invitae Variant Classification Sherloc (09022015). Collection method: clinical testing. Allele origin: germline.
Comment: This sequence change replaces phenylalanine, which is neutral and non-polar, with cysteine, which is neutral and slightly polar, at codon 179 of the SERPINC1 protein (p.Phe179Cys). This variant is not present in population databases (gnomAD no frequency). This missense change has been observed in individual(s) with antithrombin III deficiency (PMID: 28317092). Invitae Evidence Modeling of protein sequence and biophysical properties (such as structural, functional, and spatial information, amino acid conservation, physicochemical variation, residue mobility, and thermodynamic stability) indicates that this missense variant is expected to disrupt SERPINC1 protein function with a positive predictive value of 95%. This variant disrupts the p.Phe179 amino acid residue in SERPINC1. Other variant(s) that disrupt this residue have been determined to be pathogenic (internal data). This suggests that this residue is clinically significant, and that variants that disrupt this residue are likely to be disease-causing. In summary, the currently available evidence indicates that the variant is pathogenic, but additional data are needed to prove that conclusively. Therefore, this variant has been classified as Likely Pathogenic.

Literature cited by the submitters: PubMed 28317092.